The following is an entry in ClinVar:

ClinVar aggregate classification (germline): Pathogenic (1 of 4 stars; one submission).

Conditions:
Jeune thoracic dystrophy. Also called: Jeune syndrome; Infantile thoracic dystrophy; Thoracic pelvic phalangeal dystrophy; Jeune's syndrome; Chondroectodermal dysplasia-like syndrome; Short-rib thoracic dysplasia. Identifiers: Orphanet 474, MedGen C0265275, MONDO:0018770.

Submission:

Labcorp Genetics (formerly Invitae), Labcorp
Classification: Pathogenic for Jeune thoracic dystrophy. Last evaluated: 2024-03-13. Review status: criteria provided, single submitter. Criteria: Invitae Variant Classification Sherloc (09022015). Collection method: clinical testing. Allele origin: germline.
Comment: This sequence change creates a premature translational stop signal (p.Ser4250*) in the DYNC2H1 gene. While this is not anticipated to result in nonsense mediated decay, it is expected to disrupt the last 65 amino acid(s) of the DYNC2H1 protein. This variant is not present in population databases (gnomAD no frequency). This variant has not been reported in the literature in individuals affected with DYNC2H1-related conditions. This variant disrupts a region of the DYNC2H1 protein in which other variant(s) (p.Arg4284Gly) have been determined to be pathogenic (PMID: 29068549). This suggests that this is a clinically significant region of the protein, and that variants that disrupt it are likely to be disease-causing. For these reasons, this variant has been classified as Pathogenic.

Literature cited by the submitters: PubMed 29068549.

NM_001377.3(DYNC2H1):c.12728C>G (p.Ser4243Ter)

Gene: DYNC2H1 (dynein cytoplasmic 2 heavy chain 1; plus strand). Cytogenetic location: 11q22.3.
Variant type: single nucleotide variant.
Coding change: c.12728C>G on transcript NM_001377.3 (MANE Select); coding-DNA position 12728, C replaced by G.
Protein change: p.Ser4243Ter; replaces serine 4243 with a stop codon.
Molecular consequence: nonsense.
Genome position (GRCh38, 1-based): chr11:103,468,668, C>G. VCF-style: chr11-103468668-C-G. GRCh37 (hg19) VCF-style: chr11-103339396-C-G.
Other names: c.12749C>G, p.Ser4250Ter (NM_001080463.2); short protein forms S4243*, S4250*.
Identifiers: ClinVar variation 3645650 (VCV003645650.2).